The following is an entry in ClinVar:

NM_006739.4(MCM5):c.1963G>A (p.Gly655Ser)

Gene: MCM5 (minichromosome maintenance complex component 5; plus strand). Cytogenetic location: 22q12.3.
Variant type: single nucleotide variant.
Coding change: c.1963G>A on transcript NM_006739.4 (MANE Select); coding-DNA position 1963, G replaced by A.
Protein change: p.Gly655Ser; replaces glycine 655 with serine.
Molecular consequence: missense variant.
Genome position (GRCh38, 1-based): chr22:35,421,448, G>A. VCF-style: chr22-35421448-G-A. GRCh37 (hg19) VCF-style: chr22-35817441-G-A.
Other names: c.1963G>A (NM_006739.3); short protein forms G655S.
Identifiers: ClinVar variation 1924097 (VCV001924097.8), dbSNP rs200870158, ClinGen allele CA10205571.

ClinVar aggregate classification (germline): Uncertain significance. Review status: criteria provided, multiple submitters, no conflicts (2 of 4 stars). 2 submissions from 2 submitters: Uncertain significance (2). Last evaluated 2025-08-08.

Allele frequency attached by ClinVar (database versions not stated): ExAC 0.00003; gnomAD exomes 0.00004; gnomAD 0.00005; TOPMed 0.00007.
gnomAD v4.1: 69 of 1,614,144 alleles (0.0043%); highest among the groups gnomAD compares: Non-Finnish European, 0.0055%; no homozygotes.

Submissions (2):

Ambry Genetics
Classification: Uncertain significance. Last evaluated: 2025-08-08. Review status: criteria provided, single submitter. Criteria: Ambry Variant Classification Scheme 2023. Collection method: clinical testing. Allele origin: germline.

Labcorp Genetics (formerly Invitae), Labcorp
Classification: Uncertain significance. Last evaluated: 2025-08-04. Review status: criteria provided, single submitter. Criteria: Invitae Variant Classification Sherloc (09022015). Collection method: clinical testing. Allele origin: germline.
Comment: This sequence change replaces glycine, which is neutral and non-polar, with serine, which is neutral and polar, at codon 655 of the MCM5 protein (p.Gly655Ser). This variant is present in population databases (rs200870158, gnomAD 0.007%). This variant has not been reported in the literature in individuals affected with MCM5-related conditions. ClinVar contains an entry for this variant (Variation ID: 1924097). Invitae Evidence Modeling of protein sequence and biophysical properties (such as structural, functional, and spatial information, amino acid conservation, physicochemical variation, residue mobility, and thermodynamic stability) indicates that this missense variant is not expected to disrupt MCM5 protein function with a negative predictive value of 80%. In summary, the available evidence is currently insufficient to determine the role of this variant in disease. Therefore, it has been classified as a Variant of Uncertain Significance.